The following is an entry in ClinVar:

ClinVar aggregate classification (germline): Likely pathogenic (1 of 4 stars; one submission).

Conditions:
Charcot-Marie-Tooth disease type 4D. Also called: NEUROPATHY, HEREDITARY MOTOR AND SENSORY, LOM TYPE; CHARCOT-MARIE-TOOTH DISEASE, DEMYELINATING, TYPE 4D; CHARCOT-MARIE-TOOTH DISEASE, DEMYELINATING, AUTOSOMAL RECESSIVE, TYPE 4D; Charcot-Marie-Tooth Neuropathy Type 4D. Identifiers: Orphanet 99950, MedGen C1832334, MONDO:0011085, OMIM 601455.

gnomAD v4.1: 1 of 1,614,098 alleles (0.000062%); highest among the groups gnomAD compares: Non-Finnish European, 0.000085%; no homozygotes.

Submission:

Juno Genomics, Hangzhou Juno Genomics, Inc
Classification: Likely pathogenic for Charcot-Marie-Tooth disease type 4D. Review status: criteria provided, single submitter. Criteria: ACMG Guidelines, 2015. Collection method: clinical testing. Allele origin: germline.
Comment: Absent from controls (or at extremely low frequency if recessive) in Genome Aggregation Database.;Null variant in a gene where loss of function (LOF) is a known mechanism of disease.

NM_006096.4(NDRG1):c.553C>T (p.Gln185Ter)

Gene: NDRG1 (N-myc downstream regulated 1; minus strand). Cytogenetic location: 8q24.22.
Variant type: single nucleotide variant.
Coding change: c.553C>T on transcript NM_006096.4 (MANE Select); coding-DNA position 553, C replaced by T.
Protein change: p.Gln185Ter; replaces glutamine 185 with a stop codon.
Molecular consequence: nonsense.
Genome position (GRCh38, 1-based): chr8:133,254,580, G>A on the plus strand (C>T on the coding strand, the complement: NDRG1 is on the minus strand). VCF-style: chr8-133254580-G-A. GRCh37 (hg19) VCF-style: chr8-134266823-G-A.
Other names: c.553C>T, p.Gln185Ter (NM_001135242.2, NM_001374845.1, NM_001374846.1); c.355C>T, p.Gln119Ter (NM_001258432.2, NM_001374847.1); c.310C>T, p.Gln104Ter (NM_001258433.2); c.604C>T, p.Gln202Ter (NM_001374844.1); short protein forms Q104*, Q119*, Q185*, Q202*.
Identifiers: ClinVar variation 5018593 (VCV005018593.2).
Genomic context (GRCh38, chr8:133,254,580, plus strand): 5'-GCCAGACCACGCAACTCACCTTCCCAAAAAGGTGGGACACCACCATGTCCGGCAGAGCTT[G>A]GGTCCATCCTGAGATCTGGAAAGGAGTAAAGTGGGTGGATGAGAAACCAGGAGCTAACAG-3'